The following is an entry in ClinVar:

NM_000059.4(BRCA2):c.7544C>T (p.Thr2515Ile)

Gene: BRCA2 (BRCA2 DNA repair associated; plus strand). Cytogenetic location: 13q13.1.
Variant type: single nucleotide variant.
Coding change: c.7544C>T on transcript NM_000059.4 (MANE Select); coding-DNA position 7544, C replaced by T.
Protein change: p.Thr2515Ile; replaces threonine 2515 with isoleucine.
Molecular consequence: missense variant.
Genome position (GRCh38, 1-based): chr13:32,356,536, C>T. VCF-style: chr13-32356536-C-T. GRCh37 (hg19) VCF-style: chr13-32930673-C-T.
Other names: p.T2515I:ACA>ATA; 7772C>T; short protein forms T2515I.
Identifiers: ClinVar variation 38102 (VCV000038102.104), dbSNP rs28897744, ClinGen allele CA025140.
Genomic context (GRCh38, chr13:32,356,536, plus strand): 5'-TTAAGAAGAAACAAAGGCAACGCGTCTTTCCACAGCCAGGCAGTCTGTATCTTGCAAAAA[C>T]ATCCACTCTGCCTCGAATCTCTCTGAAAGCAGCAGTAGGAGGCCAAGTTCCCTCTGCGTG-3'
Protein context (NP_000050.3, residues 2505-2525): PQPGSLYLAK[Thr2515Ile]STLPRISLKA

ClinVar aggregate classification (germline): Benign. Review status: reviewed by expert panel (3 of 4 stars). 39 submissions from 37 submitters: Benign (1). 38 of the submissions do not count toward it. Last evaluated 2015-08-10.

Conditions:
BRCA2-related cancer predisposition. Identifiers: MedGen CN377758, MONDO:0700269.
Inherited breast cancer and ovarian cancer.
Breast and/or ovarian cancer. Identifiers: MedGen CN221562.
Hereditary cancer-predisposing syndrome. Also called: Neoplastic Syndromes, Hereditary; Tumor predisposition; Hereditary Cancer Syndrome; Hereditary neoplastic syndrome. Identifiers: Orphanet 140162, MedGen C0027672, MeSH D009386, MONDO:0015356.
Hereditary breast ovarian cancer syndrome. Also called: Hereditary breast and ovarian cancer; Breast and ovarian cancer; Hereditary breast and/or ovarian cancer syndrome; Hereditary breast and ovarian cancer syndrome (HBOC); Hereditary breast and ovarian cancer syndrome; BRCA1- and BRCA2-Associated Hereditary Breast and Ovarian Cancer. Identifiers: Orphanet 145, MedGen C0677776, MeSH D061325, MONDO:0003582. Disease mechanism: loss of function.
Breast-ovarian cancer, familial, susceptibility to, 2 (BROVCA2). Also called: BRCA2 Hereditary Breast and Ovarian Cancer. Identifiers: Orphanet 145, MedGen C2675520, MONDO:0012933, OMIM 612555. Disease mechanism: loss of function.
Fanconi anemia complementation group D1. Also called: BRCA2-Related Fanconi Anemia. Identifiers: Orphanet 319462, MedGen C1838457, MONDO:0011584, OMIM 605724.

Allele frequency attached by ClinVar (database versions not stated): TOPMed 0.00035; ESP Exome Variant Server 0.00046; gnomAD 0.00047 and 0.00048; gnomAD exomes 0.00055 and 0.00058; ExAC 0.00075.
gnomAD v4.1: 875 of 1,614,246 alleles (0.054%); highest among the groups gnomAD compares: Non-Finnish European, 0.062%; 4 homozygotes.

Submissions 1 to 18 of 39:

Evidence-based Network for the Interpretation of Germline Mutant Alleles (ENIGMA)
Classification: Benign for Breast-ovarian cancer, familial 2. Last evaluated: 2015-08-10. Review status: reviewed by expert panel. Criteria: ENIGMA BRCA1/2 Classification Criteria (2015). Collection method: curation. Allele origin: germline.
Comment: IARC class based on posterior probability from multifactorial likelihood analysis, thresholds for class as per Plon et al. 2008 (PMID: 18951446). Class 1 based on posterior probability = 0.0000643

Cambridge Genomics Laboratory, East Genomic Laboratory Hub, NHS Genomic Medicine Service
Classification: Benign for Inherited breast cancer and ovarian cancer. Last evaluated: 2026-08-06. Review status: criteria provided, single submitter. Criteria: ACGS Best Practice Guidelines for Variant Classification in Rare Disease 2020. Collection method: clinical testing. Allele origin: germline. Affected: yes. Not counted in ClinVar's aggregate classification.
Comment: BS1_Strong,BP5_Very Strong

CeGaT Center for Human Genetics Tuebingen
Classification: Benign. Last evaluated: 2026-05-01. Review status: criteria provided, single submitter. Criteria: CeGaT Center For Human Genetics Tuebingen Variant Classification Criteria Version 2. Collection method: clinical testing. Allele origin: germline. Affected: yes. Observed: 26 variant alleles. Not counted in ClinVar's aggregate classification.
Comment: BRCA2: BS1, BS2

Labcorp Genetics (formerly Invitae), Labcorp
Classification: Benign for Hereditary breast ovarian cancer syndrome. Last evaluated: 2026-02-03. Review status: criteria provided, single submitter. Criteria: Invitae Variant Classification Sherloc (09022015). Collection method: clinical testing. Allele origin: germline. Not counted in ClinVar's aggregate classification.

Dasa
Classification: Benign for Breast-ovarian cancer, familial, susceptibility to, 2. Last evaluated: 2025-12-04. Review status: criteria provided, single submitter. Criteria: DASA Assertion Criteria. Collection method: clinical testing. Allele origin: germline. Not counted in ClinVar's aggregate classification.
Comment: NM_000059.4(BRCA2):c.7544C>T (p.Thr2515Ile) is interpreted as benign based on a combination of available evidence, which may include population frequency, observations in unaffected individuals, intact protein function, lack of segregation with disease, in silico models, amino acid conservation, lack of disease association in case-control studies, and/or inconsistency with the known disease mechanism or impacted region. Based on the available data, this variant is classified as benign.

Center for Genomic Medicine, Rigshospitalet, Copenhagen University Hospital
Classification: Benign. Last evaluated: 2025-03-04. Review status: criteria provided, single submitter. Criteria: ACMG Guidelines, 2015. Collection method: clinical testing. Allele origin: germline. Not counted in ClinVar's aggregate classification.

Laboratory of Genetics, Children's Clinical University Hospital Latvia
Classification: Benign. Last evaluated: 2025-02-16. Review status: criteria provided, single submitter. Criteria: ACMG Guidelines, 2015. Collection method: clinical testing. Allele origin: germline. Affected: yes. Not counted in ClinVar's aggregate classification.

Blueprint Genetics
Classification: Likely benign. Last evaluated: 2024-11-25. Review status: criteria provided, single submitter. Criteria: ACMG Guidelines, 2015. Collection method: clinical testing. Allele origin: germline. Not counted in ClinVar's aggregate classification.

ARUP Laboratories, Molecular Genetics and Genomics, ARUP Laboratories
Classification: Benign. Last evaluated: 2024-11-14. Review status: criteria provided, single submitter. Criteria: ARUP Molecular Germline Variant Investigation Process 2024. Collection method: clinical testing. Allele origin: germline. Not counted in ClinVar's aggregate classification.

All of Us Research Program, National Institutes of Health
Classification: Likely benign for BRCA2-related cancer predisposition. Last evaluated: 2024-09-23. Review status: criteria provided, single submitter. Criteria: ACMG Guidelines, 2015. Collection method: clinical testing. Allele origin: germline. Inheritance: Autosomal dominant inheritance. Observed: 209 variant alleles, 207 heterozygotes, 2 homozygotes. Not counted in ClinVar's aggregate classification.
Comment: This study involves interpretation of variants in research participants for the purpose of population health screening. Participant phenotype was not available at the time of variant classification. Additional details can be found in publication PMID: 35346344, PMCID: PMC8962531

KCCC/NGS Laboratory, Kuwait Cancer Control Center
Classification: Benign for Breast-ovarian cancer, familial, susceptibility to, 2. Last evaluated: 2023-07-07. Review status: criteria provided, single submitter. Criteria: ACMG Guidelines, 2015. Collection method: clinical testing. Allele origin: germline. Affected: yes. Not counted in ClinVar's aggregate classification.

Mayo Clinic Laboratories, Mayo Clinic
Classification: Benign. Last evaluated: 2023-06-07. Review status: criteria provided, single submitter. Criteria: ACMG Guidelines, 2015. Collection method: clinical testing. Allele origin: germline. Observed: 8 variant alleles. Not counted in ClinVar's aggregate classification.
Comment: BS1, BS3, BS4, BP5, BP6

CHEO Genetics Diagnostic Laboratory, Children's Hospital of Eastern Ontario
Classification: Likely benign for Breast and/or ovarian cancer. Last evaluated: 2023-06-01. Review status: criteria provided, single submitter. Criteria: ACMG Guidelines, 2015. Collection method: clinical testing. Allele origin: germline. Not counted in ClinVar's aggregate classification.

Institute for Biomarker Research, Medical Diagnostic Laboratories, L.L.C.
Classification: Likely benign for Hereditary breast ovarian cancer syndrome. Last evaluated: 2023-05-03. Review status: criteria provided, single submitter. Criteria: ACMG Guidelines, 2015. Collection method: clinical testing. Allele origin: germline. Not counted in ClinVar's aggregate classification.

Genetics Program, Instituto Nacional de Cancer
Classification: Likely benign for Hereditary breast ovarian cancer syndrome. Last evaluated: 2021-11-01. Review status: criteria provided, single submitter. Criteria: ACMG Guidelines, 2015. Collection method: research. Allele origin: germline. Affected: yes. Not counted in ClinVar's aggregate classification.

Sema4
Classification: Benign for Hereditary cancer-predisposing syndrome. Last evaluated: 2020-09-25. Review status: criteria provided, single submitter. Criteria: Sema4 Curation Guidelines. Collection method: curation. Allele origin: germline. Not counted in ClinVar's aggregate classification.

GeneDx
Classification: Likely benign. Last evaluated: 2020-09-17. Review status: criteria provided, single submitter. Criteria: GeneDx Variant Classification Process June 2021. Collection method: clinical testing. Allele origin: germline. Affected: yes. Not counted in ClinVar's aggregate classification.
Comment: This variant is associated with the following publications: (PMID: 21990134, 24728327, 28288110, 28324225, 24082139, 30611917, 25556971, 18844490, 19043619, 9971877, 12955719, 12955716, 12161607, 25782689, 23884293, 10978364, 17250666, 22703879, 21702907, 24323938, 15695382, 27376475, 28263838, 27153395, 29061375, 28866612, 28283652, 26517685, 30696104, 29988080, 31131559, 32444794, 29884841)

Illumina Laboratory Services, Illumina
Classification: Likely benign for Fanconi anemia complementation group D1. Last evaluated: 2019-10-08. Review status: criteria provided, single submitter. Criteria: ICSL Variant Classification Criteria 13 December 2019. Collection method: clinical testing. Allele origin: germline. Not counted in ClinVar's aggregate classification.
Comment: This variant was observed as part of a predisposition screen in an ostensibly healthy population. A literature search was performed for the gene, cDNA change, and amino acid change (where applicable). No publications were found based on this search. Allele frequency data from public databases allowed determination this variant is unlikely to cause disease. Therefore, this variant is classified as likely benign.